The following is an entry in ClinVar:

NC_000003.11:g.(?_148890285)_(148939833_?)del

Genes: CP (ceruloplasmin; minus strand), HPS3 (HPS3 biogenesis of lysosomal organelles complex 2 subunit 1; plus strand). Cytogenetic location: 3q24-25.1.
Variant type: Deletion.
Identifiers: ClinVar variation 1704638 (VCV001704638.1).

ClinVar aggregate classification (germline): Likely pathogenic (1 of 4 stars; one submission).

Conditions:
Neurodegeneration with brain iron accumulation (NBIA). Identifiers: Orphanet 385, MedGen C2931845, MONDO:0018307.

Submission:

Women's Health and Genetics/Laboratory Corporation of America, LabCorp
Classification: Likely pathogenic for Neurodegeneration with brain iron accumulation. Last evaluated: 2022-07-22. Review status: criteria provided, single submitter. Criteria: LabCorp Variant Classification Summary - May 2015. Collection method: clinical testing. Allele origin: germline.
Comment: Variant summary: The variant identified by MLPA or other technology involves the deletion of the whole CP gene, a known mechanism of disease. A presumed nomenclature of c.(?_-254)_(*1216_?)del has been designated for the purposes of this classification. The variant was absent in 21694 control chromosomes. To our knowledge, no occurrence of c.(?_-254)_(*1216_?)del in individuals affected with Neurodegeneration With Brain Iron Accumulation and no experimental evidence demonstrating its impact on protein function have been reported. No clinical diagnostic laboratories have submitted clinical-significance assessments for this variant to ClinVar after 2014. Based on the evidence outlined above, the variant was classified as likely pathogenic.